The following is an entry in ClinVar:

ClinVar aggregate classification (germline): drug response (0 of 4 stars; one submission).

Conditions:
Corticosteroids response. Also called: Corticosteroid response.

Submission:

Genetic Testing Lab, Ashok and Rita Patel Institute of Integrated Study and Research in Biotechnology and Allied Sciences
Classification: drug response for Corticosteroid response. Last evaluated: 2022-05-20. Review status: no assertion criteria provided. Collection method: research. Allele origin: somatic. Affected: yes. Observed: 27 variant alleles.
Comment: Depending upon patients response to standard corticosteroids therapy, they were classified to be either Steroid resistance(SRNS)(poor metabolizer) or steroid sensitive(SSNS)(likley responsive)

NM_004998.4(MYO1E):c.533T>C (p.Phe178Ser)

Gene: MYO1E (myosin IE; minus strand). Cytogenetic location: 15q22.2.
Variant type: single nucleotide variant.
Coding change: c.533T>C on transcript NM_004998.4 (MANE Select); coding-DNA position 533, T replaced by C.
Protein change: p.Phe178Ser; replaces phenylalanine 178 with serine.
Molecular consequence: missense variant.
Genome position (GRCh38, 1-based): chr15:59,227,568, A>G on the plus strand (T>C on the coding strand, the complement: MYO1E is on the minus strand). VCF-style: chr15-59227568-A-G. GRCh37 (hg19) VCF-style: chr15-59519767-A-G.
Other names: short protein forms F178S.
Identifiers: ClinVar variation 1698691 (VCV001698691.2), dbSNP rs2140352466, ClinGen allele CA392644161.